The following is an entry in ClinVar:

ClinVar aggregate classification (germline): Pathogenic (1 of 4 stars; one submission).

Conditions:
Cardiovascular phenotype. Identifiers: MedGen CN230736.
Hereditary cancer-predisposing syndrome. Also called: Neoplastic Syndromes, Hereditary; Tumor predisposition; Hereditary Cancer Syndrome; Hereditary neoplastic syndrome. Identifiers: Orphanet 140162, MedGen C0027672, MeSH D009386, MONDO:0015356.

Submission:

Ambry Genetics
Classification: Pathogenic for Cardiovascular phenotype; Hereditary cancer-predisposing syndrome. Last evaluated: 2017-01-13. Review status: criteria provided, single submitter. Criteria: Ambry Variant Classification Scheme 2023. Collection method: clinical testing. Allele origin: germline.
Comment: The c.191delA pathogenic mutation, located in coding exon 2 of the NF1 gene, results from a deletion of one nucleotide at nucleotide position 191, causing a translational frameshift with a predicted alternate stop codon (p.N64Mfs*5). This alteration is expected to result in loss of function by premature protein truncation or nonsense-mediated mRNA decay. As such, this alteration is interpreted as a disease-causing mutation.

NM_001042492.3(NF1):c.191del (p.Asn64fs)

Gene: NF1 (neurofibromin 1; plus strand). Cytogenetic location: 17q11.2.
Variant type: Deletion.
Coding change: c.191del on transcript NM_001042492.3 (MANE Select); coding-DNA position 191, one base deleted (A; older notation c.191delA).
Protein change: p.Asn64fs; shifts the reading frame from asparagine 64.
Molecular consequence: frameshift variant.
Genome position (GRCh38, 1-based): chr17:31,156,113, A deleted; the last of 2 consecutive A bases (chr17:31,156,112-31,156,113); deleting either gives the same sequence. VCF-style (leftmost placement, unchanged base first): chr17-31156111-GA-G. GRCh37 (hg19) VCF-style: chr17-29483129-GA-G.
Other names: c.191delA (NM_000267.3); c.191delA, p.Asn64Metfs (NM_000267.4); c.191del, p.Asn64fs (NM_001128147.3); short protein forms N64fs.
Identifiers: ClinVar variation 481972 (VCV000481972.5), dbSNP rs1555604941, ClinGen allele CA658658573.